The following is an entry in ClinVar:

ClinVar aggregate classification (germline): Uncertain significance (1 of 4 stars; one submission).

Submission:

GeneDx
Classification: Uncertain significance. Last evaluated: 2025-06-25. Review status: criteria provided, single submitter. Criteria: GeneDx Variant Classification Process June 2021. Collection method: clinical testing. Allele origin: germline. Affected: yes.
Comment: Not observed at significant frequency in large population cohorts (gnomAD); In silico analysis suggests that this missense variant does not alter protein structure/function; Has not been previously published as pathogenic or benign to our knowledge

NM_005120.3(MED12):c.194A>G (p.Asn65Ser)

Gene: MED12 (mediator complex subunit 12; plus strand). Cytogenetic location: Xq13.1.
Variant type: single nucleotide variant.
Coding change: c.194A>G on transcript NM_005120.3 (MANE Select); coding-DNA position 194, A replaced by G.
Protein change: p.Asn65Ser; replaces asparagine 65 with serine.
Molecular consequence: missense variant.
Genome position (GRCh38, 1-based): chrX:71,119,467, A>G. VCF-style: chrX-71119467-A-G. GRCh37 (hg19) VCF-style: chrX-70339317-A-G.
Other names: short protein forms N65S.
Identifiers: ClinVar variation 4540306 (VCV004540306.1).